The following is an entry in ClinVar:

NM_003265.3(TLR3):c.952_953del (p.Leu318fs)

Gene: TLR3 (toll like receptor 3; plus strand). Cytogenetic location: 4q35.1.
Variant type: Deletion.
Coding change: c.952_953del on transcript NM_003265.3 (MANE Select); coding-DNA positions 952 to 953, 2 bases deleted (TT; older notation c.952_953delTT).
Protein change: p.Leu318fs; shifts the reading frame from leucine 318.
Molecular consequence: frameshift variant.
Genome position (GRCh38, 1-based): chr4:186,082,638-186,082,639, TT deleted; deleting any 2 consecutive bases within chr4:186,082,637-186,082,639 gives the same sequence; the c. name uses the placement nearest the transcript's 3' end. VCF-style (leftmost placement, unchanged base first): chr4-186082636-CTT-C. GRCh37 (hg19) VCF-style: chr4-187003790-CTT-C.
Other names: short protein forms L318fs.
Identifiers: ClinVar variation 998451 (VCV000998451.7), dbSNP rs2099303728, ClinGen allele CA1519821625.

ClinVar aggregate classification (germline): Uncertain significance (1 of 4 stars; one submission).

Conditions:
Encephalopathy, acute, infection-induced (herpes-specific), susceptibility to, 1. Also called: Herpes simplex encephalitis, susceptibility to, 1. Identifiers: Orphanet 1930, MedGen C2750180, MONDO:0024563, OMIM 610551.

Submission:

Labcorp Genetics (formerly Invitae), Labcorp
Classification: Uncertain significance for Encephalopathy, acute, infection-induced (herpes-specific), susceptibility to, 1. Last evaluated: 2025-01-23. Review status: criteria provided, single submitter. Criteria: Invitae Variant Classification Sherloc (09022015). Collection method: clinical testing. Allele origin: germline.
Comment: This sequence change creates a premature translational stop signal (p.Leu318Alafs*17) in the TLR3 gene. It is expected to result in an absent or disrupted protein product. However, the current clinical and genetic evidence is not sufficient to establish whether loss-of-function variants in TLR3 cause disease. This variant is not present in population databases (gnomAD no frequency). This variant has not been reported in the literature in individuals affected with TLR3-related conditions. ClinVar contains an entry for this variant (Variation ID: 998451). In summary, the available evidence is currently insufficient to determine the role of this variant in disease. Therefore, it has been classified as a Variant of Uncertain Significance.